The following is an entry in ClinVar:

ClinVar aggregate classification (germline): Uncertain significance (1 of 4 stars; one submission).

Submission:

GeneDx
Classification: Uncertain significance. Last evaluated: 2023-02-10. Review status: criteria provided, single submitter. Criteria: GeneDx Variant Classification Process June 2021. Collection method: clinical testing. Allele origin: germline. Affected: yes.
Comment: Not observed at significant frequency in large population cohorts (gnomAD); In silico analysis suggests this variant may impact gene splicing. In the absence of RNA/functional studies, the actual effect of this sequence change is unknown.; Has not been previously published as pathogenic or benign to our knowledge

NM_014233.4(UBTF):c.474+5G>T

Genes: ATXN7L3-AS1 (ATXN7L3 antisense RNA 1; plus strand), UBTF (upstream binding transcription factor; minus strand). Cytogenetic location: 17q21.31.
Variant type: single nucleotide variant.
Coding change: c.474+5G>T on transcript NM_014233.4 (MANE Select); 5 bases into the intron after coding-DNA position 474, G replaced by T.
Molecular consequence: intron variant.
Genome position (GRCh38, 1-based): chr17:44,215,649, C>A on the plus strand (G>T on the coding strand, the complement: UBTF is on the minus strand). VCF-style: chr17-44215649-C-A. GRCh37 (hg19) VCF-style: chr17-42293017-C-A.
Other names: c.474+5G>T (NM_001076683.2, NM_001076684.3).
Identifiers: ClinVar variation 2575777 (VCV002575777.1), dbSNP rs2509937020, ClinGen allele CA2580613146.